The following is an entry in ClinVar:

ClinVar aggregate classification (germline): Uncertain significance (1 of 4 stars; one submission).

gnomAD v4.1: 105 of 1,613,896 alleles (0.0065%); highest among the groups gnomAD compares: Non-Finnish European, 0.0085%; no homozygotes.

Submission:

Labcorp Genetics (formerly Invitae), Labcorp
Classification: Uncertain significance. Last evaluated: 2024-10-24. Review status: criteria provided, single submitter. Criteria: Invitae Variant Classification Sherloc (09022015). Collection method: clinical testing. Allele origin: germline.
Comment: This sequence change replaces alanine, which is neutral and non-polar, with glycine, which is neutral and non-polar, at codon 34 of the RPL23 protein (p.Ala34Gly). This variant is present in population databases (rs554988536, gnomAD 0.01%). This variant has not been reported in the literature in individuals affected with RPL23-related conditions. An algorithm developed to predict the effect of missense changes on protein structure and function (PolyPhen-2) suggests that this variant is likely to be tolerated. In summary, the available evidence is currently insufficient to determine the role of this variant in disease. Therefore, it has been classified as a Variant of Uncertain Significance.

NM_000978.4(RPL23):c.101C>G (p.Ala34Gly)

Genes: RPL23 (ribosomal protein L23; minus strand), LOC126862551 (P300/CBP strongly-dependent group 1 enhancer GRCh37_chr17:37008921-37010120; plus strand). Cytogenetic location: 17q12.
Variant type: single nucleotide variant.
Coding change: c.101C>G on transcript NM_000978.4 (MANE Select); coding-DNA position 101, C replaced by G.
Protein change: p.Ala34Gly; replaces alanine 34 with glycine.
Molecular consequence: missense variant.
Genome position (GRCh38, 1-based): chr17:38,852,729, G>C on the plus strand (C>G on the coding strand, the complement: RPL23 is on the minus strand). VCF-style: chr17-38852729-G-C. GRCh37 (hg19) VCF-style: chr17-37008982-G-C.
Other names: short protein forms A34G.
Identifiers: ClinVar variation 3710263 (VCV003710263.2).